The following is an entry in ClinVar:

ClinVar aggregate classification (germline): Uncertain significance. Review status: criteria provided, multiple submitters, no conflicts (2 of 4 stars). 2 submissions from 2 submitters: Uncertain significance (2). Last evaluated 2025-04-02.

Conditions:
Cardiovascular phenotype. Identifiers: MedGen CN230736.
Atrial septal defect 5 (ASD5). Identifiers: Orphanet 1478, MedGen C2748552, MONDO:0013011, OMIM 612794.
Dilated cardiomyopathy 1R (CMD1R). Identifiers: Orphanet 154, Orphanet 54260, MedGen C3150681, MONDO:0013261, OMIM 613424.
Hypertrophic cardiomyopathy 11. Also called: ACTC1-Related Familial Hypertrophic Cardiomyopathy. Identifiers: MedGen C2677506, MONDO:0012799, OMIM 612098.

Submissions (2):

Labcorp Genetics (formerly Invitae), Labcorp
Classification: Uncertain significance for Dilated cardiomyopathy 1R; Hypertrophic cardiomyopathy 11; Atrial septal defect 5. Last evaluated: 2025-04-02. Review status: criteria provided, single submitter. Criteria: Invitae Variant Classification Sherloc (09022015). Collection method: clinical testing. Allele origin: germline.
Comment: This sequence change replaces serine, which is neutral and polar, with glycine, which is neutral and non-polar, at codon 325 of the ACTC1 protein (p.Ser325Gly). This variant is not present in population databases (gnomAD no frequency). This missense change has been observed in individual(s) with clinical features of ACTC1-related conditions (internal data). ClinVar contains an entry for this variant (Variation ID: 538809). Invitae Evidence Modeling of protein sequence and biophysical properties (such as structural, functional, and spatial information, amino acid conservation, physicochemical variation, residue mobility, and thermodynamic stability) indicates that this missense variant is not expected to disrupt ACTC1 protein function with a negative predictive value of 80%. In summary, the available evidence is currently insufficient to determine the role of this variant in disease. Therefore, it has been classified as a Variant of Uncertain Significance.

Ambry Genetics
Classification: Uncertain significance for Cardiovascular phenotype. Last evaluated: 2019-09-21. Review status: criteria provided, single submitter. Criteria: Ambry Variant Classification Scheme 2023. Collection method: clinical testing. Allele origin: germline.
Comment: The p.S325G variant (also known as c.973A>G), located in coding exon 5 of the ACTC1 gene, results from an A to G substitution at nucleotide position 973. The serine at codon 325 is replaced by glycine, an amino acid with similar properties. This amino acid position is highly conserved in available vertebrate species. In addition, the in silico prediction for this alteration is inconclusive. Since supporting evidence is limited at this time, the clinical significance of this alteration remains unclear.

NM_005159.5(ACTC1):c.973A>G (p.Ser325Gly)

Genes: GJD2-DT (GJD2 divergent transcript; plus strand), ACTC1 (actin alpha cardiac muscle 1; minus strand). Cytogenetic location: 15q14.
Variant type: single nucleotide variant.
Coding change: c.973A>G on transcript NM_005159.5 (MANE Select); coding-DNA position 973, A replaced by G.
Protein change: p.Ser325Gly; replaces serine 325 with glycine.
Molecular consequence: missense variant.
Genome position (GRCh38, 1-based): chr15:34,791,131, T>C on the plus strand (A>G on the coding strand, the complement: ACTC1 is on the minus strand). VCF-style: chr15-34791131-T-C. GRCh37 (hg19) VCF-style: chr15-35083332-T-C.
Other names: c.973A>G (LRG_388t1); short protein forms S325G.
Identifiers: ClinVar variation 538809 (VCV000538809.10), dbSNP rs1555418679, ClinGen allele CA391629313.
Genomic context (GRCh38, chr15:34,791,131, plus strand): 5'-ACCAAGACTTGCCTCGGATCTCCCACTCACAAAAGTTCTTTACCTTAATCTTCATGGTGC[T>C]AGGAGCCAGAGCAGTGATTTCCTTCTGCATACGATCAGCAATACCAGGGTACATAGTGGT-3'
Protein context (NP_005150.1, residues 315-335): MQKEITALAP[Ser325Gly]TMKIKIIAPP